The following is an entry in ClinVar:

ClinVar aggregate classification (germline): Uncertain significance. Review status: criteria provided, multiple submitters, no conflicts (2 of 4 stars). 2 submissions from 2 submitters: Uncertain significance (2). Last evaluated 2026-08-25.

Conditions:
RPGRIP1L-related disorder. Also called: RPGRIP1L-related condition; RPGRIP1L-related disorders. Identifiers: MedGen CN239416.
Inborn genetic diseases. Identifiers: MedGen C0950123, MeSH D030342.

Submissions (2):

PreventionGenetics, part of Exact Sciences
Classification: Uncertain significance for RPGRIP1L-related condition. Last evaluated: 2026-08-25. Review status: criteria provided, single submitter. Criteria: ACMG Guidelines, 2015. Collection method: clinical testing. Allele origin: germline.
Comment: The RPGRIP1L c.2900G>A variant is predicted to result in the amino acid substitution p.Arg967His. To our knowledge, this variant has not been reported in the literature. This variant is reported in 0.033% of alleles in individuals of East Asian descent in gnomAD. At this time, the clinical significance of this variant is uncertain due to the absence of conclusive functional and genetic evidence.

Ambry Genetics
Classification: Uncertain significance for Inborn genetic diseases. Last evaluated: 2025-06-12. Review status: criteria provided, single submitter. Criteria: Ambry Variant Classification Scheme 2023. Collection method: clinical testing. Allele origin: germline.

NM_015272.5(RPGRIP1L):c.2900G>A (p.Arg967His)

Gene: RPGRIP1L (RPGRIP1 like; minus strand). Cytogenetic location: 16q12.2.
Variant type: single nucleotide variant.
Coding change: c.2900G>A on transcript NM_015272.5 (MANE Select); coding-DNA position 2900, G replaced by A.
Protein change: p.Arg967His; replaces arginine 967 with histidine.
Molecular consequence: missense variant.
Genome position (GRCh38, 1-based): chr16:53,641,091, C>T on the plus strand (G>A on the coding strand, the complement: RPGRIP1L is on the minus strand). VCF-style: chr16-53641091-C-T. GRCh37 (hg19) VCF-style: chr16-53675003-C-T.
Other names: c.2900G>A, p.Arg967His (NM_001308334.3, NM_001330538.2, NM_001127897.4); c.2900G>A (NM_015272.4); short protein forms R967H.
Identifiers: ClinVar variation 3947410 (VCV003947410.2).
Genomic context (GRCh38, chr16:53,641,091, plus strand): 5'-ACATCACTCTGATGTGGCATGATATCCACGAAAGATACCTTCTTATCTACAGGTGTTAAA[C>T]GTTGTCTTGGTTTAGGTCTTGGTGCCTAAGACAAACCAACCAATGTGTCAGACTGAGTAT-3'
Protein context (NP_056087.2, residues 957-977): VLAPRPKPRQ[Arg967His]LTPVDKKVSF